The following is an entry in ClinVar:

NM_015346.4(ZFYVE26):c.5510G>T (p.Arg1837Leu)

Gene: ZFYVE26 (zinc finger FYVE-type containing 26; minus strand). Cytogenetic location: 14q24.1.
Variant type: single nucleotide variant.
Coding change: c.5510G>T on transcript NM_015346.4 (MANE Select); coding-DNA position 5510, G replaced by T.
Protein change: p.Arg1837Leu; replaces arginine 1837 with leucine.
Molecular consequence: missense variant.
Genome position (GRCh38, 1-based): chr14:67,769,705, C>A on the plus strand (G>T on the coding strand, the complement: ZFYVE26 is on the minus strand). VCF-style: chr14-67769705-C-A. GRCh37 (hg19) VCF-style: chr14-68236422-C-A.
Other names: short protein forms R1837L.
Identifiers: ClinVar variation 1806749 (VCV001806749.4), dbSNP rs776920735, ClinGen allele CA262831134.

ClinVar aggregate classification (germline): Uncertain significance. Review status: criteria provided, multiple submitters, no conflicts (2 of 4 stars). 2 submissions from 2 submitters: Uncertain significance (2). Last evaluated 2026-01-19.

Conditions:
Spastic paraplegia. Identifiers: MedGen C0037772, HP:0001258.

gnomAD v4.1: 7 of 1,613,926 alleles (0.00043%); highest among the groups gnomAD compares: Admixed American, 0.01%; no homozygotes.

Submissions (2):

Labcorp Genetics (formerly Invitae), Labcorp
Classification: Uncertain significance for Spastic paraplegia. Last evaluated: 2026-01-19. Review status: criteria provided, single submitter. Criteria: Invitae Variant Classification Sherloc (09022015). Collection method: clinical testing. Allele origin: germline.
Comment: This sequence change replaces arginine, which is basic and polar, with leucine, which is neutral and non-polar, at codon 1837 of the ZFYVE26 protein (p.Arg1837Leu). This variant is present in population databases (no rsID available, gnomAD 0.01%). This variant has not been reported in the literature in individuals affected with ZFYVE26-related conditions. ClinVar contains an entry for this variant (Variation ID: 1806749). An algorithm developed to predict the effect of missense changes on protein structure and function (PolyPhen-2) suggests that this variant is likely to be disruptive. In summary, the available evidence is currently insufficient to determine the role of this variant in disease. Therefore, it has been classified as a Variant of Uncertain Significance.

GeneDx
Classification: Uncertain significance. Last evaluated: 2022-12-21. Review status: criteria provided, single submitter. Criteria: GeneDx Variant Classification Process June 2021. Collection method: clinical testing. Allele origin: germline. Affected: yes.
Comment: Not observed at significant frequency in large population cohorts (gnomAD); In silico analysis supports that this missense variant has a deleterious effect on protein structure/function; Has not been previously published as pathogenic or benign to our knowledge